The following is an entry in ClinVar:

ClinVar aggregate classification (germline): Pathogenic (1 of 4 stars; one submission).

Conditions:
Houge-Janssens syndrome 1. Also called: INTELLECTUAL DEVELOPMENTAL DISORDER, AUTOSOMAL DOMINANT 35; Hogue-Janssens syndrome 1; Intellectual disability-macrocephaly-hypotonia-behavioral abnormalities syndrome; PPP2R5D-Related Neurodevelopmental Disorder. Identifiers: Orphanet 457279, MedGen C5779996, MONDO:0014602, OMIM 616355.

Submission:

Institute of Human Genetics, University of Leipzig Medical Center
Classification: Pathogenic for Houge-Janssens syndrome 1. Last evaluated: 2025-08-06. Review status: criteria provided, single submitter. Criteria: ACMG Guidelines, 2015. Collection method: clinical testing. Allele origin: unknown. Inheritance: Autosomal dominant inheritance. Affected: yes.
Comment: Criteria applied: PM5_STR,PM1,PM2,PP2,PP3

NM_006245.4(PPP2R5D):c.619T>G (p.Trp207Gly)

Gene: PPP2R5D (protein phosphatase 2 regulatory subunit B'delta; plus strand). Cytogenetic location: 6p21.1.
Variant type: single nucleotide variant.
Coding change: c.619T>G on transcript NM_006245.4 (MANE Select); coding-DNA position 619, T replaced by G.
Protein change: p.Trp207Gly; replaces tryptophan 207 with glycine.
Molecular consequence: missense variant.
Genome position (GRCh38, 1-based): chr6:43,007,292, T>G. VCF-style: chr6-43007292-T-G. GRCh37 (hg19) VCF-style: chr6-42975030-T-G.
Other names: c.166T>G, p.Trp56Gly (NM_001270476.2); c.523T>G, p.Trp175Gly (NM_180976.3); c.301T>G, p.Trp101Gly (NM_180977.3); short protein forms W101G, W175G, W207G, W56G.
Identifiers: ClinVar variation 4279007 (VCV004279007.1).